The following is an entry in ClinVar:

ClinVar aggregate classification (germline): Pathogenic (1 of 4 stars; one submission).

Conditions:
Arrhythmogenic right ventricular dysplasia 11. Also called: Arrhythmogenic right ventricular dysplasia 11 with mild palmoplantar keratoderma and woolly hair; Arrhythmogenic Right Ventricular Dysplasia/Cardiomyopathy11; ARRHYTHMOGENIC RIGHT VENTRICULAR DYSPLASIA, FAMILIAL, 11. Identifiers: MedGen C1864850, MONDO:0012506, OMIM 610476.

Allele frequency attached by ClinVar (database versions not stated): ExAC 0.00001; gnomAD 0.00001; TOPMed 0.00002; ESP Exome Variant Server 0.00008.

Submission:

Labcorp Genetics (formerly Invitae), Labcorp
Classification: Pathogenic for Arrhythmogenic right ventricular dysplasia 11. Last evaluated: 2025-01-26. Review status: criteria provided, single submitter. Criteria: Invitae Variant Classification Sherloc (09022015). Collection method: clinical testing. Allele origin: germline.
Comment: This sequence change creates a premature translational stop signal (p.Ile342Tyrfs*3) in the DSC2 gene. It is expected to result in an absent or disrupted protein product. Loss-of-function variants in DSC2 are known to be pathogenic (PMID: 23911551). This variant is not present in population databases (gnomAD no frequency). This variant has not been reported in the literature in individuals affected with DSC2-related conditions. ClinVar contains an entry for this variant (Variation ID: 1429683). Algorithms developed to predict the effect of sequence changes on RNA splicing suggest that this variant may create or strengthen a splice site. For these reasons, this variant has been classified as Pathogenic.

Literature cited by the submitters: PubMed 23911551.

NM_024422.6(DSC2):c.1023dup (p.Ile342fs)

Gene: DSC2 (desmocollin 2; minus strand). Cytogenetic location: 18q12.1.
Variant type: Duplication.
Coding change: c.1023dup on transcript NM_024422.6 (MANE Select); coding-DNA position 1023, one base duplicated (T; older notation c.1023dupT).
Protein change: p.Ile342fs; shifts the reading frame from isoleucine 342.
Molecular consequence: frameshift variant.
Genome position (GRCh38, 1-based): chr18:31,082,980, A duplicated on the plus strand (T on the coding strand, the reverse complement: DSC2 is on the minus strand). VCF-style (leftmost placement, unchanged base first): chr18-31082979-T-TA. GRCh37 (hg19) VCF-style: chr18-28662945-T-TA.
Other names: c.1023dup, p.Ile342fs (NM_004949.5); short protein forms I342fs.
Identifiers: ClinVar variation 1429683 (VCV001429683.6), dbSNP rs768389941, ClinGen allele CA8924782.